The following is an entry in ClinVar:

NM_001369.3(DNAH5):c.13706T>C (p.Ile4569Thr)

Gene: DNAH5 (dynein axonemal heavy chain 5; minus strand). Cytogenetic location: 5p15.2.
Variant type: single nucleotide variant.
Coding change: c.13706T>C on transcript NM_001369.3 (MANE Select); coding-DNA position 13706, T replaced by C.
Protein change: p.Ile4569Thr; replaces isoleucine 4569 with threonine.
Molecular consequence: missense variant.
Genome position (GRCh38, 1-based): chr5:13,700,657, A>G on the plus strand (T>C on the coding strand, the complement: DNAH5 is on the minus strand). VCF-style: chr5-13700657-A-G. GRCh37 (hg19) VCF-style: chr5-13700766-A-G.
Other names: short protein forms I4569T.
Identifiers: ClinVar variation 3625593 (VCV003625593.2).
Genomic context (GRCh38, chr5:13,700,657, plus strand): 5'-AACGAACAATGCGAGCCCTTACTGAAGGTACAAGACAACTTACTATTGTTTTCTGCATAA[A>G]TCCTTATGACAGGCATCAACTCAAAGAGCACTTTTGGCTTTGATTCAATGAGTTTCATGT-3'
Protein context (NP_001360.1, residues 4559-4579): VLFELMPVIR[Ile4569Thr]YAENNTLRDP

ClinVar aggregate classification (germline): Uncertain significance (1 of 4 stars; one submission).

Conditions:
Primary ciliary dyskinesia. Also called: Ciliary dyskinesia. Identifiers: Orphanet 244, MedGen C0008780, MONDO:0016575, HP:0012265.

gnomAD v4.1: 3 of 1,614,162 alleles (0.00019%); highest among the groups gnomAD compares: Admixed American, 0.0017%; no homozygotes.

Submission:

Labcorp Genetics (formerly Invitae), Labcorp
Classification: Uncertain significance for Primary ciliary dyskinesia. Last evaluated: 2024-09-27. Review status: criteria provided, single submitter. Criteria: Invitae Variant Classification Sherloc (09022015). Collection method: clinical testing. Allele origin: germline.
Comment: This sequence change replaces isoleucine, which is neutral and non-polar, with threonine, which is neutral and polar, at codon 4569 of the DNAH5 protein (p.Ile4569Thr). This variant is not present in population databases (gnomAD no frequency). This variant has not been reported in the literature in individuals affected with DNAH5-related conditions. Invitae Evidence Modeling of protein sequence and biophysical properties (such as structural, functional, and spatial information, amino acid conservation, physicochemical variation, residue mobility, and thermodynamic stability) indicates that this missense variant is not expected to disrupt DNAH5 protein function with a negative predictive value of 95%. In summary, the available evidence is currently insufficient to determine the role of this variant in disease. Therefore, it has been classified as a Variant of Uncertain Significance.